The following is an entry in ClinVar:

ClinVar aggregate classification (germline): Uncertain significance. Review status: criteria provided, multiple submitters, no conflicts (2 of 4 stars). 2 submissions from 2 submitters: Uncertain significance (2). Last evaluated 2022-04-24.

Conditions:
Vici syndrome (VICIS). Identifiers: Orphanet 1493, MedGen C1855772, MONDO:0009452, OMIM 242840.

Allele frequency attached by ClinVar (database versions not stated): gnomAD exomes 0.00001 and 0.00002; ExAC 0.00002; gnomAD 0.00007 and 0.00008; TOPMed 0.00008.
gnomAD v4.1: 21 of 1,614,008 alleles (0.0013%); highest among the groups gnomAD compares: African/African-American, 0.023%; no homozygotes.

Submissions (2):

Labcorp Genetics (formerly Invitae), Labcorp
Classification: Uncertain significance for Vici syndrome. Last evaluated: 2022-04-24. Review status: criteria provided, single submitter. Criteria: Invitae Variant Classification Sherloc (09022015). Collection method: clinical testing. Allele origin: germline.
Comment: This sequence change replaces proline, which is neutral and non-polar, with leucine, which is neutral and non-polar, at codon 1506 of the EPG5 protein (p.Pro1506Leu). This variant is present in population databases (rs751816092, gnomAD 0.03%). This variant has not been reported in the literature in individuals affected with EPG5-related conditions. Algorithms developed to predict the effect of missense changes on protein structure and function are either unavailable or do not agree on the potential impact of this missense change (SIFT: "Deleterious"; PolyPhen-2: "Benign"; Align-GVGD: "Class C15"). In summary, the available evidence is currently insufficient to determine the role of this variant in disease. Therefore, it has been classified as a Variant of Uncertain Significance.

Breakthrough Genomics
Classification: Uncertain significance. Review status: criteria provided, single submitter. Criteria: ACMG Guidelines, 2015. Collection method: not provided. Allele origin: germline. Inheritance: Autosomal recessive inheritance. Affected: yes.

NM_020964.3(EPG5):c.4517C>T (p.Pro1506Leu)

Gene: EPG5 (ectopic P-granules 5 autophagy tethering factor; minus strand). Cytogenetic location: 18q21.1.
Variant type: single nucleotide variant.
Coding change: c.4517C>T on transcript NM_020964.3 (MANE Select); coding-DNA position 4517, C replaced by T.
Protein change: p.Pro1506Leu; replaces proline 1506 with leucine.
Molecular consequence: missense variant.
Genome position (GRCh38, 1-based): chr18:45,901,125, G>A on the plus strand (C>T on the coding strand, the complement: EPG5 is on the minus strand). VCF-style: chr18-45901125-G-A. GRCh37 (hg19) VCF-style: chr18-43481090-G-A.
Other names: short protein forms P1506L.
Identifiers: ClinVar variation 1427067 (VCV001427067.7), dbSNP rs751816092, ClinGen allele CA8948834.